The following is an entry in ClinVar:

NM_139321.3(ATRN):c.518G>A (p.Arg173His)

Gene: ATRN (attractin; plus strand). Cytogenetic location: 20p13.
Variant type: single nucleotide variant.
Coding change: c.518G>A on transcript NM_139321.3 (MANE Select); coding-DNA position 518, G replaced by A.
Protein change: p.Arg173His; replaces arginine 173 with histidine.
Molecular consequence: missense variant.
Genome position (GRCh38, 1-based): chr20:3,540,245, G>A. VCF-style: chr20-3540245-G-A. GRCh37 (hg19) VCF-style: chr20-3520892-G-A.
Other names: c.170G>A, p.Arg57His (NM_001207047.3); c.518G>A, p.Arg173His (NM_001323332.2, NM_139322.4); short protein forms R173H, R57H.
Identifiers: ClinVar variation 2265205 (VCV002265205.6), dbSNP rs535151003, ClinGen allele CA9743824.
Genomic context (GRCh38, chr20:3,540,245, plus strand): 5'-TAACTTTATTATAAATTACTTTTTTTATTCTTTTCAGGCCAAATAGAATAATGAGACTTC[G>A]TTTCAATCATTTTGCTACAGAGTGTAGTTGGGACCATTTATATGTTTATGATGGGGACTC-3'
Protein context (NP_647537.1, residues 163-183): EGQPNRIMRL[Arg173His]FNHFATECSW

ClinVar aggregate classification (germline): Uncertain significance. Review status: criteria provided, multiple submitters, no conflicts (2 of 4 stars). 2 submissions from 2 submitters: Uncertain significance (2). Last evaluated 2025-05-06.

Allele frequency attached by ClinVar (database versions not stated): ExAC 0.00001; gnomAD 0.00001; gnomAD exomes 0.00001; 1000 Genomes Project 0.00020; 1000 Genomes Project 30x 0.00031.
gnomAD v4.1: 18 of 1,597,608 alleles (0.0011%); highest among the groups gnomAD compares: East Asian, 0.0023%; no homozygotes.

Submissions (2):

Ambry Genetics
Classification: Uncertain significance. Last evaluated: 2025-05-06. Review status: criteria provided, single submitter. Criteria: Ambry Variant Classification Scheme 2023. Collection method: clinical testing. Allele origin: germline.

Labcorp Genetics (formerly Invitae), Labcorp
Classification: Uncertain significance. Last evaluated: 2023-04-14. Review status: criteria provided, single submitter. Criteria: Invitae Variant Classification Sherloc (09022015). Collection method: clinical testing. Allele origin: germline.
Comment: This variant is present in population databases (rs535151003, gnomAD 0.01%). This sequence change replaces arginine, which is basic and polar, with histidine, which is basic and polar, at codon 173 of the ATRN protein (p.Arg173His). This variant has not been reported in the literature in individuals affected with ATRN-related conditions. ClinVar contains an entry for this variant (Variation ID: 2265205). An algorithm developed to predict the effect of missense changes on protein structure and function (PolyPhen-2) suggests that this variant is likely to be disruptive. In summary, the available evidence is currently insufficient to determine the role of this variant in disease. Therefore, it has been classified as a Variant of Uncertain Significance.